The following is an entry in ClinVar:

NM_001379500.1(COL18A1):c.107-15088T>C

Gene: COL18A1 (collagen type XVIII alpha 1 chain; plus strand). Cytogenetic location: 21q22.3.
Variant type: single nucleotide variant.
Coding change: c.107-15088T>C on transcript NM_001379500.1 (MANE Select); 15088 bases into the intron before coding-DNA position 107, T replaced by C.
Molecular consequence: intron variant.
Genome position (GRCh38, 1-based): chr21:45,453,154, T>C. VCF-style: chr21-45453154-T-C. GRCh37 (hg19) VCF-style: chr21-46873068-T-C.
Identifiers: ClinVar variation 1231975 (VCV001231975.3), dbSNP rs62216320, ClinGen allele CA14912789.

ClinVar aggregate classification (germline): Benign (1 of 4 stars; one submission).

Allele frequency attached by ClinVar (database versions not stated): gnomAD 0.13013 and 0.13124; TOPMed 0.13098; 1000 Genomes Project 0.14657.
gnomAD v4.1: 19,550 of 150,196 alleles (13%); highest among the groups gnomAD compares: East Asian, 22%; 1,449 homozygotes.

Submission:

GeneDx
Classification: Benign. Last evaluated: 2021-02-23. Review status: criteria provided, single submitter. Criteria: GeneDx Variant Classification Process June 2021. Collection method: clinical testing. Allele origin: germline. Affected: yes.
Comment: This variant is associated with the following publications: (PMID: 20817676)